The following is an entry in ClinVar:

ClinVar aggregate classification (germline): Uncertain significance (1 of 4 stars; one submission).

Conditions:
Usher syndrome type 3B. Also called: USHER SYNDROME, TYPE IIIB. Identifiers: MedGen C3281066, MONDO:0013788, OMIM 614504.

Submission:

Labcorp Genetics (formerly Invitae), Labcorp
Classification: Uncertain significance for Usher syndrome type 3B. Last evaluated: 2023-11-19. Review status: criteria provided, single submitter. Criteria: Invitae Variant Classification Sherloc (09022015). Collection method: clinical testing. Allele origin: germline.
Comment: This sequence change replaces alanine, which is neutral and non-polar, with valine, which is neutral and non-polar, at codon 347 of the HARS protein (p.Ala347Val). This variant is not present in population databases (gnomAD no frequency). This variant has not been reported in the literature in individuals affected with HARS-related conditions. An algorithm developed to predict the effect of missense changes on protein structure and function (PolyPhen-2) suggests that this variant is likely to be tolerated. Algorithms developed to predict the effect of sequence changes on RNA splicing suggest that this variant may disrupt the consensus splice site. In summary, the available evidence is currently insufficient to determine the role of this variant in disease. Therefore, it has been classified as a Variant of Uncertain Significance.

NM_002109.6(HARS1):c.1040C>T (p.Ala347Val)

Gene: HARS1 (histidyl-tRNA synthetase 1; minus strand). Cytogenetic location: 5q31.3.
Variant type: single nucleotide variant.
Coding change: c.1040C>T on transcript NM_002109.6 (MANE Select); coding-DNA position 1040, C replaced by T.
Protein change: p.Ala347Val; replaces alanine 347 with valine.
Molecular consequence: missense variant.
Genome position (GRCh38, 1-based): chr5:140,676,808, G>A on the plus strand (C>T on the coding strand, the complement: HARS1 is on the minus strand). VCF-style: chr5-140676808-G-A. GRCh37 (hg19) VCF-style: chr5-140056393-G-A.
Other names: c.920C>T, p.Ala307Val (NM_001258040.3); c.980C>T, p.Ala327Val (NM_001258041.3); c.860C>T, p.Ala287Val (NM_001258042.3); c.818C>T, p.Ala273Val (NM_001289092.2); c.698C>T, p.Ala233Val (NM_001289093.2); c.953C>T, p.Ala318Val (NM_001289094.2); short protein forms A287V, A273V, A327V, A233V, A307V, A318V, A347V.
Identifiers: ClinVar variation 2697500 (VCV002697500.3), dbSNP rs2481247370, ClinGen allele CA361251568.
Genomic context (GRCh38, chr5:140,676,808, plus strand): 5'-ACTAGCCCATCATAGCGTCCTCCAGCAGCCACACTGCCCACACCCAGGGGCTCTTCCCCT[G>A]CCTGGGCTGGGGTCTGTAGCAGCACTGCCTCATAGATCACCCCAGTGTAGTAATCCAGCC-3'
Protein context (NP_002100.2, residues 337-357): EAVLLQTPAQ[Ala347Val]GEEPLGVGSV